The following is an entry in ClinVar:

NM_023036.6(DNAI2):c.1244G>A (p.Trp415Ter)

Gene: DNAI2 (dynein axonemal intermediate chain 2; plus strand). Cytogenetic location: 17q25.1.
Variant type: single nucleotide variant.
Coding change: c.1244G>A on transcript NM_023036.6 (MANE Select); coding-DNA position 1244, G replaced by A.
Protein change: p.Trp415Ter; replaces tryptophan 415 with a stop codon.
Molecular consequence: nonsense. On other transcripts: non-coding transcript variant (1).
Genome position (GRCh38, 1-based): chr17:74,309,285, G>A. VCF-style: chr17-74309285-G-A. GRCh37 (hg19) VCF-style: chr17-72305424-G-A.
Other names: c.1244G>A, p.Trp415Ter (NM_001172810.3, NM_001353167.2); short protein forms W415*.
Identifiers: ClinVar variation 852616 (VCV000852616.8), dbSNP rs2053367000, ClinGen allele CA400911736.

ClinVar aggregate classification (germline): Pathogenic (1 of 4 stars; one submission).

Conditions:
Primary ciliary dyskinesia. Also called: Ciliary dyskinesia. Identifiers: Orphanet 244, MedGen C0008780, MONDO:0016575, HP:0012265.

Submission:

Labcorp Genetics (formerly Invitae), Labcorp
Classification: Pathogenic for Primary ciliary dyskinesia. Last evaluated: 2023-09-06. Review status: criteria provided, single submitter. Criteria: Invitae Variant Classification Sherloc (09022015). Collection method: clinical testing. Allele origin: germline.
Comment: This sequence change creates a premature translational stop signal (p.Trp415*) in the DNAI2 gene. It is expected to result in an absent or disrupted protein product. Loss-of-function variants in DNAI2 are known to be pathogenic (PMID: 18950741, 23891469). This variant is not present in population databases (gnomAD no frequency). This variant has not been reported in the literature in individuals affected with DNAI2-related conditions. ClinVar contains an entry for this variant (Variation ID: 852616). For these reasons, this variant has been classified as Pathogenic.

Literature cited by the submitters: PubMed 18950741; PubMed 23891469.